The following is an entry in ClinVar:

ClinVar aggregate classification (germline): Pathogenic. Review status: criteria provided, multiple submitters, no conflicts (2 of 4 stars). 2 submissions from 2 submitters: Pathogenic (2). Last evaluated 2026-03-23.

Submissions (2):

GeneDx
Classification: Pathogenic. Last evaluated: 2026-03-23. Review status: criteria provided, single submitter. Criteria: GeneDx Variant Classification Process June 2021. Collection method: clinical testing. Allele origin: germline.
Comment: Nonsense variant predicted to result in protein truncation or nonsense mediated decay in a gene for which loss of function is a known mechanism of disease; Reported in an individual with an abnormality of the nervous system; however variant zygosity and further clinical information were not provided (PMID: 26633542); Not observed at significant frequency in large population cohorts (gnomAD); This variant is associated with the following publications: (PMID: 26633542)

Labcorp Genetics (formerly Invitae), Labcorp
Classification: Pathogenic. Last evaluated: 2025-03-17. Review status: criteria provided, single submitter. Criteria: Invitae Variant Classification Sherloc (09022015). Collection method: clinical testing. Allele origin: germline.
Comment: This sequence change creates a premature translational stop signal (p.Lys2238*) in the ASPM gene. It is expected to result in an absent or disrupted protein product. Loss-of-function variants in ASPM are known to be pathogenic (PMID: 19028728, 23611254). This variant is not present in population databases (gnomAD no frequency). This premature translational stop signal has been observed in individual(s) with clinical features of ASPM-related conditions (PMID: 26633542). ClinVar contains an entry for this variant (Variation ID: 2734066). For these reasons, this variant has been classified as Pathogenic.

Literature cited by the submitters: PubMed 19028728 (cited by Labcorp Genetics (formerly Invitae), Labcorp); PubMed 23611254 (cited by Labcorp Genetics (formerly Invitae), Labcorp); PubMed 26633542 (cited by Labcorp Genetics (formerly Invitae), Labcorp).

NM_018136.5(ASPM):c.6712_6715del (p.Asn2237_Lys2238insTer)

Gene: ASPM (assembly factor for spindle microtubules; minus strand). Cytogenetic location: 1q31.3.
Variant type: Deletion.
Coding change: c.6712_6715del on transcript NM_018136.5 (MANE Select); coding-DNA positions 6712 to 6715, 4 bases deleted (AAAC; older notation c.6712_6715delAAAC).
Protein change: p.Asn2237_Lys2238insTer.
Molecular consequence: nonsense. On other transcripts: intron variant (1).
Genome position (GRCh38, 1-based): chr1:197,102,536-197,102,539, GTTT deleted on the plus strand (AAAC on the coding strand, the reverse complement: ASPM is on the minus strand); deleting any 4 consecutive bases within chr1:197,102,536-197,102,542 gives the same sequence; the c. name uses the placement nearest the transcript's 3' end. VCF-style (leftmost placement, unchanged base first): chr1-197102535-AGTTT-A. GRCh37 (hg19) VCF-style: chr1-197071665-AGTTT-A.
Other names: c.4066-6375_4066-6372del (NM_001206846.2); c.6712_6715del (NM_018136.4).
Identifiers: ClinVar variation 2734066 (VCV002734066.4), dbSNP rs2527295914, ClinGen allele CA2586967839.